The following is an entry in ClinVar:

ClinVar aggregate classification (germline): Uncertain significance. Review status: criteria provided, multiple submitters, no conflicts (2 of 4 stars). 5 submissions from 5 submitters: Uncertain significance (3). 2 of the submissions do not count toward it. Last evaluated 2025-12-24.

Conditions:
Pulmonary fibrosis. Identifiers: MedGen C0034069, MONDO:0002771, HP:0002206.
Dyskeratosis congenita, autosomal dominant 1 (DKCA1). Also called: Dyskeratosis congenita Scoggins type. Identifiers: Orphanet 1775, MedGen C4551974, MONDO:0007485, OMIM 127550. Inheritance: Variable.
Pulmonary fibrosis and/or bone marrow failure, Telomere-related, 2. Also called: PULMONARY FIBROSIS AND/OR BONE MARROW FAILURE SYNDROME, TELOMERE-RELATED, 2. Identifiers: Orphanet 88, MedGen C3553622, MONDO:0013879, OMIM 614743.

Allele frequency attached by ClinVar (database versions not stated): gnomAD 0.00003; TOPMed 0.00005.
gnomAD v4.1: 41 of 765,108 alleles (0.0054%); highest among the groups gnomAD compares: African/African-American, 0.01%; no homozygotes.

Submissions (5):

Labcorp Genetics (formerly Invitae), Labcorp
Classification: Uncertain significance for Dyskeratosis congenita, autosomal dominant 1. Last evaluated: 2025-12-24. Review status: criteria provided, single submitter. Criteria: Invitae Variant Classification Sherloc (09022015). Collection method: clinical testing. Allele origin: germline.
Comment: This variant occurs in the TERC gene, which encodes an RNA molecule that does not result in a protein product. This variant is present in population databases (rs199422261, gnomAD 0.009%). This variant has been observed in individual(s) with Idiopathic pulmonary fibrosis, aplastic anemia, and dyskeratosis congenita (PMID: 17460043, 20193600, 26136524). ClinVar contains an entry for this variant (Variation ID: 39293). This variant is located within the template/pseudoknot domain of the TERC RNA component, which is required for RNA or RNP stability (PMID: 15082312, 21844345). Experimental studies are conflicting or provide insufficient evidence to determine the effect of this variant on TERC function (PMID: 15886322, 17460043). This variant is located in a region of TERC in which a significant number of disease causing variants have been reported (PMID: 15082312, 21844345, 21931702). These observations suggest that this may be a clinically significant region. In summary, the available evidence is currently insufficient to determine the role of this variant in disease. Therefore, it has been classified as a Variant of Uncertain Significance.

Blueprint Genetics
Classification: Uncertain significance. Last evaluated: 2024-07-02. Review status: criteria provided, single submitter. Criteria: ACMG Guidelines, 2015. Collection method: clinical testing. Allele origin: germline.

Fulgent Genetics
Classification: Uncertain significance for Dyskeratosis congenita, autosomal dominant 1; Pulmonary fibrosis and/or bone marrow failure, Telomere-related, 2. Last evaluated: 2021-11-08. Review status: criteria provided, single submitter. Criteria: ACMG Guidelines, 2015. Collection method: clinical testing. Allele origin: unknown.

Garcia Pulmonary Genetics Research Laboratory, Columbia University Irving Medical Center
Classification: Likely risk allele for Pulmonary fibrosis. Last evaluated: 2022-06-09. Review status: no assertion criteria provided. Collection method: research. Allele origin: germline. Affected: yes. Not counted in ClinVar's aggregate classification.
Comment: Leukocyte telomere length (by qPCR) less than 10th percentile age-adjusted

GeneReviews
Classification: Pathogenic for Dyskeratosis Congenita. Last evaluated: 2012-05-10. Review status: no assertion criteria provided. Collection method: curation. Allele origin: unknown. Not counted in ClinVar's aggregate classification.
ClinVar note: Converted during submission from pathologic to Pathogenic.

Literature cited by the submitters: PubMed 17460043 (cited by Labcorp Genetics (formerly Invitae), Labcorp); PubMed 20193600 (cited by Labcorp Genetics (formerly Invitae), Labcorp); PubMed 26136524 (cited by Labcorp Genetics (formerly Invitae), Labcorp); PubMed 15082312 (cited by Labcorp Genetics (formerly Invitae), Labcorp); PubMed 21844345 (cited by Labcorp Genetics (formerly Invitae), Labcorp); PubMed 15886322 (cited by Labcorp Genetics (formerly Invitae), Labcorp); PubMed 21931702 (cited by Labcorp Genetics (formerly Invitae), Labcorp).

NR_001566.3(TERC):n.37A>G

Genes: TERC (telomerase RNA component; minus strand), LOC110806306 (telomerase RNA component (TERC) promoter; plus strand). Cytogenetic location: 3q26.2.
Variant type: single nucleotide variant.
Genome position: GRCh38 VCF-style: chr3-169765024-T-C. GRCh37 (hg19) VCF-style: chr3-169482812-T-C.
Other names: NR_001566.1:r.37a>g (A37G).
Identifiers: ClinVar variation 39293 (VCV000039293.40), dbSNP rs199422261, ClinGen allele CA343765.